The following is an entry in ClinVar:

ClinVar aggregate classification (germline): Uncertain significance (1 of 4 stars; one submission).

Submission:

GeneDx
Classification: Uncertain significance. Last evaluated: 2026-03-11. Review status: criteria provided, single submitter. Criteria: GeneDx Variant Classification Process June 2021. Collection method: clinical testing. Allele origin: germline.
Comment: Not observed at significant frequency in large population cohorts (gnomAD); In silico analysis supports that this missense variant has a deleterious effect on protein structure/function; Has not been previously published as pathogenic or benign to our knowledge

NM_001282874.2(SMARCA1):c.1960G>T (p.Asp654Tyr)

Gene: SMARCA1 (SNF2 related chromatin remodeling ATPase 1; minus strand). Cytogenetic location: Xq25.
Variant type: single nucleotide variant.
Coding change: c.1960G>T on transcript NM_001282874.2 (MANE Select); coding-DNA position 1960, G replaced by T.
Protein change: p.Asp654Tyr; replaces aspartic acid 654 with tyrosine.
Molecular consequence: missense variant.
Genome position (GRCh38, 1-based): chrX:129,489,074, C>A on the plus strand (G>T on the coding strand, the complement: SMARCA1 is on the minus strand). VCF-style: chrX-129489074-C-A. GRCh37 (hg19) VCF-style: chrX-128623051-C-A.
Other names: c.1924G>T, p.Asp642Tyr (NM_001282875.2, NM_001378262.1, NM_001378263.1 and 1 more transcripts); c.1960G>T, p.Asp654Tyr (NM_001378261.1, NM_003069.5); short protein forms D654Y, D642Y.
Identifiers: ClinVar variation 5008358 (VCV005008358.1).